The following is an entry in ClinVar:

ClinVar aggregate classification (germline): Uncertain significance (1 of 4 stars; one submission).

Conditions:
Familial cold autoinflammatory syndrome 2 (FCAS2). Identifiers: Orphanet 247868, MedGen C2673198, MONDO:0012724, OMIM 611762.

gnomAD v4.1: 1 of 1,613,990 alleles (0.000062%); highest among the groups gnomAD compares: Non-Finnish European, 0.000085%; no homozygotes.

Submission:

Labcorp Genetics (formerly Invitae), Labcorp
Classification: Uncertain significance for Familial cold autoinflammatory syndrome 2. Last evaluated: 2025-02-16. Review status: criteria provided, single submitter. Criteria: Invitae Variant Classification Sherloc (09022015). Collection method: clinical testing. Allele origin: germline.
Comment: This sequence change replaces phenylalanine, which is neutral and non-polar, with leucine, which is neutral and non-polar, at codon 137 of the NLRP12 protein (p.Phe137Leu). This variant is not present in population databases (gnomAD no frequency). This variant has not been reported in the literature in individuals affected with NLRP12-related conditions. Invitae Evidence Modeling of protein sequence and biophysical properties (such as structural, functional, and spatial information, amino acid conservation, physicochemical variation, residue mobility, and thermodynamic stability) indicates that this missense variant is not expected to disrupt NLRP12 protein function with a negative predictive value of 80%. In summary, the available evidence is currently insufficient to determine the role of this variant in disease. Therefore, it has been classified as a Variant of Uncertain Significance.

NM_144687.4(NLRP12):c.409T>C (p.Phe137Leu)

Gene: NLRP12 (NLR family pyrin domain containing 12; minus strand). Cytogenetic location: 19q13.42.
Variant type: single nucleotide variant.
Coding change: c.409T>C on transcript NM_144687.4 (MANE Select); coding-DNA position 409, T replaced by C.
Protein change: p.Phe137Leu; replaces phenylalanine 137 with leucine.
Molecular consequence: missense variant.
Genome position (GRCh38, 1-based): chr19:53,811,250, A>G on the plus strand (T>C on the coding strand, the complement: NLRP12 is on the minus strand). VCF-style: chr19-53811250-A-G. GRCh37 (hg19) VCF-style: chr19-54314504-A-G.
Other names: c.409T>C, p.Phe137Leu (NM_001277126.2, NM_001277129.1); short protein forms F137L.
Identifiers: ClinVar variation 4693958 (VCV004693958.1).